The following is an entry in ClinVar:

NM_000169.3(GLA):c.424T>C (p.Cys142Arg)

Genes: RPL36A-HNRNPH2 (RPL36A-HNRNPH2 readthrough; plus strand), GLA (galactosidase alpha; minus strand). Cytogenetic location: Xq22.1.
Variant type: single nucleotide variant.
Coding change: c.424T>C on transcript NM_000169.3 (MANE Select); coding-DNA position 424, T replaced by C.
Protein change: p.Cys142Arg; replaces cysteine 142 with arginine.
Molecular consequence: missense variant. On other transcripts: non-coding transcript variant (3), intron variant (2).
Genome position (GRCh38, 1-based): chrX:101,401,755, A>G on the plus strand (T>C on the coding strand, the complement: GLA is on the minus strand). VCF-style: chrX-101401755-A-G. GRCh37 (hg19) VCF-style: chrX-100656743-A-G.
Other names: c.547T>C, p.Cys183Arg (NM_001406747.1, NM_001406749.1); c.424T>C, p.Cys142Arg (NM_001406748.1); c.300+6298A>G (NM_001199973.2); c.177+9933A>G (NM_001199974.2); short protein forms C142R, C183R.
Identifiers: ClinVar variation 285618 (VCV000285618.7), dbSNP rs886044845, ClinGen allele CA10605183.

ClinVar aggregate classification (germline): Pathogenic. Review status: criteria provided, multiple submitters, no conflicts (2 of 4 stars). 2 submissions from 2 submitters: Pathogenic (2). Last evaluated 2026-09-08.

Conditions:
Fabry disease. Also called: Fabry's disease; GLA DEFICIENCY; HEREDITARY DYSTOPIC LIPIDOSIS; Ceramide trihexosidosis; Angiokeratoma corporis diffusum; ANDERSON-FABRY DISEASE. Identifiers: Orphanet 324, MedGen C0002986, MONDO:0010526, OMIM 301500, HP:0001071. Disease mechanism: loss of function, Fabry disease is due to inactivating mutations in the X-linked GLA gene resulting in deficiency of the enzyme Alpha Galactosidase-A..

Submissions (2):

Genomenon, Inc
Classification: Pathogenic for Fabry disease. Last evaluated: 2026-09-08. Review status: criteria provided, single submitter. Criteria: Genomenon Sequence Variant Interpretation Standards - Updated. Collection method: curation. Allele origin: germline. Affected: yes.
Comment: GLA p.Cys142Arg (c.424T>C) is a missense variant that changes the amino acid at codon 142 from Cysteine to Arginine. This variant has been observed in at least one proband with clinical features consistent with Fabry disease (PMID:31996269;32442237;31871893;24015197;36745055;27825144;24626231;10666480;37480128;22551898;39609713;20860754;27560961;21281467). A de novo occurrence of this variant has been observed in at least one affected individual (PMID:39609713). At least one functional study has demonstrated a substantial alteration in protein function relative to the wild-type (PMID:32023956;21598360;27657681). This variant is located in a mutational hotspot and/or important functional domain. It is absent or not present at a significant frequency in gnomAD. In silico models predict that this variant is possibly or probably damaging. In conclusion, we classify GLA p.Cys142Arg (c.424T>C) as a pathogenic variant.

Eurofins Ntd Llc (ga)
Classification: Pathogenic. Last evaluated: 2016-01-05. Review status: criteria provided, single submitter. Criteria: EGL Classification Definitions 2015. Collection method: clinical testing. Allele origin: germline. Observed: 1 variant allele, 1 hemizygote.

Literature cited by the submitters: PubMed 31996269 (cited by Genomenon, Inc); PubMed 32442237 (cited by Genomenon, Inc); PubMed 31871893 (cited by Genomenon, Inc); PubMed 24015197 (cited by Genomenon, Inc); PubMed 36745055 (cited by Genomenon, Inc); PubMed 27825144 (cited by Genomenon, Inc); PubMed 24626231 (cited by Genomenon, Inc); PubMed 10666480 (cited by Genomenon, Inc); PubMed 37480128 (cited by Genomenon, Inc); PubMed 22551898 (cited by Genomenon, Inc); PubMed 39609713 (cited by Genomenon, Inc); PubMed 20860754 (cited by Genomenon, Inc); PubMed 27560961 (cited by Genomenon, Inc); PubMed 21281467 (cited by Genomenon, Inc); PubMed 32023956 (cited by Genomenon, Inc); PubMed 21598360 (cited by Genomenon, Inc); PubMed 27657681 (cited by Genomenon, Inc).